The following is an entry in ClinVar:

ClinVar aggregate classification (germline): Likely pathogenic (1 of 4 stars; one submission).

Conditions:
Metaphyseal chondrodysplasia, McKusick type (CHH). Also called: Cartilage-hair hypoplasia; Cartilage-Hair Hypoplasia (CHH). Identifiers: Orphanet 175, MedGen C0220748, MONDO:0009595, OMIM 250250.

Submission:

Natera, Inc.
Classification: Likely pathogenic for Cartilage-hair hypoplasia. Last evaluated: 2024-05-02. Review status: criteria provided, single submitter. Criteria: Natera Variant Classification Schema (03/2026). Collection method: clinical testing. Allele origin: germline.
Comment: The n.-33_-2dupCTATAAAATACTACTCTGTGAAGCTGAGGACG variant in RMRP is a duplication affecting the RMRP promoter region between the TATA box and the transcription initiation site. Other duplications and insertions just upstream of the transcription initiation site have been reported in individuals affected with cartilage-hair hypoplasia (PMID: 11207361, 17937437). This variant is rare in the general population with a frequency below the threshold expected for the associated phenotype(s). Given the available evidence, this variant is classified as Likely pathogenic.

Literature cited by the submitters: PubMed 11207361; PubMed 17937437.

NR_003051.3(RMRP):n.-33_-2dupCTATAAAATACTACTCTGTGAAGCTGAGGACG

Gene: RMRP (RNA component of mitochondrial RNA processing endoribonuclease; minus strand). Cytogenetic location: 9p13.3.
Variant type: Duplication.
Genome position: GRCh38: chr9:35,658,021-35,658,052. GRCh37 (hg19): chr9:35,658,018-35,658,049.
Identifiers: ClinVar variation 4817182 (VCV004817182.1).